The following is an entry in ClinVar:

ClinVar aggregate classification (germline): Pathogenic (1 of 4 stars; one submission).

Conditions:
Alkaptonuria (AKU). Also called: Alcaptonuria; HOMOGENTISIC ACID OXIDASE DEFICIENCY; Homogentisic acidura; Alkaptonuric ochronosis. Identifiers: Orphanet 56, MedGen C0002066, MONDO:0008753, OMIM 203500.

Submission:

Labcorp Genetics (formerly Invitae), Labcorp
Classification: Pathogenic for Alkaptonuria. Last evaluated: 2021-04-12. Review status: criteria provided, single submitter. Criteria: Invitae Variant Classification Sherloc (09022015). Collection method: clinical testing. Allele origin: germline.
Comment: For these reasons, this variant has been classified as Pathogenic. This variant disrupts the C-terminus of the HGD protein. Other variant(s) that disrupt this region (p.Lys431Hisfs*11) have been determined to be pathogenic (PMID: 23430897, 25681086, Invitae). This suggests that variants that disrupt this region of the protein are likely to be causative of disease. This variant has not been reported in the literature in individuals with HGD-related conditions. This variant is not present in population databases (ExAC no frequency). This sequence change results in a frameshift in the HGD gene (p.Ser416Profs*38). While this is not anticipated to result in nonsense mediated decay, it is expected to disrupt the last 30 amino acid(s) of the HGD protein and extend the protein by 7 additional amino acid residues.

Literature cited by the submitters: PubMed 23430897; PubMed 25681086.

NM_000187.4(HGD):c.1245del (p.Ser416fs)

Gene: HGD (homogentisate 1,2-dioxygenase; minus strand). Cytogenetic location: 3q13.33.
Variant type: Deletion.
Coding change: c.1245del on transcript NM_000187.4 (MANE Select); coding-DNA position 1245, one base deleted (C; older notation c.1245delC).
Protein change: p.Ser416fs; shifts the reading frame from serine 416.
Molecular consequence: frameshift variant.
Genome position (GRCh38, 1-based): chr3:120,628,473, G deleted on the plus strand (C on the coding strand, the reverse complement: HGD is on the minus strand); the first of 2 consecutive G bases (chr3:120,628,473-120,628,474); deleting either gives the same sequence. VCF-style (leftmost placement, unchanged base first): chr3-120628472-AG-A. GRCh37 (hg19) VCF-style: chr3-120347319-AG-A.
Other names: short protein forms S416fs.
Identifiers: ClinVar variation 1368315 (VCV001368315.8), dbSNP rs2107483736, ClinGen allele CA2573136430.